The following is an entry in ClinVar:

NM_001163435.3(TBCK):c.180T>A (p.Ser60=)

Gene: TBCK (TBC1 domain containing kinase; minus strand). Cytogenetic location: 4q24.
Variant type: single nucleotide variant.
Coding change: c.180T>A on transcript NM_001163435.3 (MANE Select); coding-DNA position 180, T replaced by A.
Protein change: p.Ser60=; no amino-acid change (serine 60 retained).
Molecular consequence: synonymous variant. On other transcripts: 5 prime UTR variant (1).
Genome position (GRCh38, 1-based): chr4:106,308,781, A>T on the plus strand (T>A on the coding strand, the complement: TBCK is on the minus strand). VCF-style: chr4-106308781-A-T. GRCh37 (hg19) VCF-style: chr4-107229938-A-T.
Other names: c.180T>A, p.Ser60= (NM_001163436.4, NM_001163437.3, NM_033115.5); c.-438T>A (NM_001290768.2); c.180T>A (NM_001163435.2).
Identifiers: ClinVar variation 1548721 (VCV001548721.10), dbSNP rs774435229, ClinGen allele CA3035528.

ClinVar aggregate classification (germline): Likely benign. Review status: criteria provided, single submitter (1 of 4 stars). 2 submissions from 2 submitters: Likely benign (1). 1 of the submissions does not count toward it. Last evaluated 2026-01-09.

Conditions:
TBCK-related disorder. Also called: TBCK-related condition; TBCK-related disorders.

Allele frequency attached by ClinVar (database versions not stated): gnomAD 0.00001; TOPMed 0.00001; gnomAD exomes 0.00014; ExAC 0.00017.
gnomAD v4.1: 82 of 1,611,862 alleles (0.0051%); highest among the groups gnomAD compares: East Asian, 0.18%; no homozygotes.

Submissions (2):

Labcorp Genetics (formerly Invitae), Labcorp
Classification: Likely benign. Last evaluated: 2026-01-09. Review status: criteria provided, single submitter. Criteria: Invitae Variant Classification Sherloc (09022015). Collection method: clinical testing. Allele origin: germline.

PreventionGenetics, part of Exact Sciences
Classification: Likely benign for TBCK-related condition. Last evaluated: 2023-08-22. Review status: no assertion criteria provided. Collection method: clinical testing. Allele origin: germline. Not counted in ClinVar's aggregate classification.
Comment: This variant is classified as likely benign based on ACMG/AMP sequence variant interpretation guidelines (Richards et al. 2015 PMID: 25741868, with internal and published modifications).